The following is an entry in ClinVar:

ClinVar aggregate classification (germline): Conflicting classifications of pathogenicity. Review status: criteria provided, conflicting classifications (1 of 4 stars). 2 submissions from 2 submitters: Uncertain significance (1); Likely benign (1). Last evaluated 2025-08-24.

Allele frequency attached by ClinVar (database versions not stated): ExAC 0.00002; TOPMed 0.00003; gnomAD 0.00001; gnomAD exomes 0.00001.
gnomAD v4.1: 14 of 1,525,648 alleles (0.00092%); highest among the groups gnomAD compares: Admixed American, 0.013%; no homozygotes.

Submissions (2):

Ambry Genetics
Classification: Likely benign. Last evaluated: 2025-08-24. Review status: criteria provided, single submitter. Criteria: Ambry Variant Classification Scheme 2023. Collection method: clinical testing. Allele origin: germline.

Labcorp Genetics (formerly Invitae), Labcorp
Classification: Uncertain significance. Last evaluated: 2025-04-28. Review status: criteria provided, single submitter. Criteria: Invitae Variant Classification Sherloc (09022015). Collection method: clinical testing. Allele origin: germline.
Comment: This sequence change replaces methionine, which is neutral and non-polar, with threonine, which is neutral and polar, at codon 4179 of the FAT2 protein (p.Met4179Thr). This variant is present in population databases (rs771234278, gnomAD 0.02%). This variant has not been reported in the literature in individuals affected with FAT2-related conditions. ClinVar contains an entry for this variant (Variation ID: 2974949). An algorithm developed to predict the effect of missense changes on protein structure and function outputs the following: PolyPhen-2: "Benign". The threonine amino acid residue is found in multiple mammalian species, which suggests that this missense change does not adversely affect protein function. In summary, the available evidence is currently insufficient to determine the role of this variant in disease. Therefore, it has been classified as a Variant of Uncertain Significance.

NM_001447.3(FAT2):c.12536T>C (p.Met4179Thr)

Genes: FAT2 (FAT atypical cadherin 2; minus strand), SLC36A1 (solute carrier family 36 member 1; plus strand). Cytogenetic location: 5q33.1.
Variant type: single nucleotide variant.
Coding change: c.12536T>C on transcript NM_001447.3 (MANE Select); coding-DNA position 12536, T replaced by C.
Protein change: p.Met4179Thr; replaces methionine 4179 with threonine.
Molecular consequence: missense variant.
Genome position (GRCh38, 1-based): chr5:151,506,079, A>G on the plus strand (T>C on the coding strand, the complement: FAT2 is on the minus strand). VCF-style: chr5-151506079-A-G. GRCh37 (hg19) VCF-style: chr5-150885640-A-G.
Other names: c.12536T>C (NM_001447.2); short protein forms M4179T.
Identifiers: ClinVar variation 2974949 (VCV002974949.4), dbSNP rs771234278, ClinGen allele CA3519736.